The following is an entry in ClinVar:

ClinVar aggregate classification (germline): Uncertain significance (1 of 4 stars; one submission).

Submission:

ISCA site 4
Classification: Uncertain significance. Last evaluated: 2011-08-12. Review status: criteria provided, single submitter. Criteria: Kaminsky et al. (Genet Med. 2011). Collection method: clinical testing. Allele origin: paternal. Affected: yes. Observed: 1 variant allele.
Comment: Copy number variation identified through the course of routine clinical cytogenomic testing in postnatal populations. Clinical assertions have been curated as described in Kaminsky et al. 2011.

GRCh38/hg38 17q24.3(chr17:69766783-71154921)x1

Genes: CASC17 (cancer susceptibility 17; minus strand), KCNJ16 (potassium inwardly rectifying channel subfamily J member 16; plus strand), KCNJ2 (potassium inwardly rectifying channel subfamily J member 2; plus strand), KCNJ2-AS1 (KCNJ2 antisense RNA 1; minus strand), LINC01028 (long intergenic non-protein coding RNA 1028; plus strand) and 15 more. Cytogenetic location: 17q24.3.
Variant type: copy number loss.
Change: copy number 1 (one copy instead of two) of chr17:69,766,783-71,154,921 (1.39 Mb, GRCh38 coordinates, 1-based), cytogenetic band 17q24.3.
Identifiers: ClinVar variation 57404 (VCV000057404.1).